The following is an entry in ClinVar:

ClinVar aggregate classification (germline): Likely benign. Review status: criteria provided, multiple submitters, no conflicts (2 of 4 stars). 4 submissions from 4 submitters: Likely benign (4). Last evaluated 2024-12-28.

Conditions:
Familial adenomatous polyposis 1 (FAP1). Also called: POLYPOSIS, ADENOMATOUS INTESTINAL; FAMILIAL ADENOMATOUS POLYPOSIS 1, ATTENUATED. Identifiers: MedGen C2713442, MONDO:0021056, OMIM 175100. Disease mechanism: loss of function.
Hereditary cancer-predisposing syndrome. Also called: Hereditary Cancer Syndrome; Neoplastic Syndromes, Hereditary; Tumor predisposition; Hereditary neoplastic syndrome. Identifiers: Orphanet 140162, MedGen C0027672, MeSH D009386, MONDO:0015356.
Classic or attenuated familial adenomatous polyposis. Identifiers: MedGen CN372698, MONDO:0021057.

Submissions (4):

Labcorp Genetics (formerly Invitae), Labcorp
Classification: Likely benign for Familial adenomatous polyposis 1. Last evaluated: 2024-12-28. Review status: criteria provided, single submitter. Criteria: Invitae Variant Classification Sherloc (09022015). Collection method: clinical testing. Allele origin: germline.

All of Us Research Program, National Institutes of Health
Classification: Likely benign for Classic or attenuated familial adenomatous polyposis. Last evaluated: 2024-05-30. Review status: criteria provided, single submitter. Criteria: ACMG Guidelines, 2015. Collection method: clinical testing. Allele origin: germline. Inheritance: Autosomal dominant inheritance. Observed: 1 variant allele, 1 heterozygote.
Comment: This study involves interpretation of variants in research participants for the purpose of population health screening. Participant phenotype was not available at the time of variant classification. Additional details can be found in publication PMID: 35346344, PMCID: PMC8962531

Myriad Genetics, Inc.
Classification: Likely benign for Familial adenomatous polyposis 1. Last evaluated: 2024-02-22. Review status: criteria provided, single submitter. Criteria: Myriad Autosomal Dominant, Autosomal Recessive and X-Linked Classification Criteria (2023). Collection method: clinical testing. Allele origin: unknown.
Comment: This variant is considered likely benign. This variant is intronic and is not expected to impact mRNA splicing.

Color Diagnostics, LLC DBA Color Health
Classification: Likely benign for Hereditary cancer-predisposing syndrome. Last evaluated: 2017-08-23. Review status: criteria provided, single submitter. Criteria: ACMG Guidelines, 2015. Collection method: clinical testing. Allele origin: germline.

NM_000038.6(APC):c.221-11A>T

Gene: APC (APC regulator of Wnt signaling pathway; plus strand). Cytogenetic location: 5q22.2.
Variant type: single nucleotide variant.
Coding change: c.221-11A>T on transcript NM_000038.6 (MANE Select); 11 bases into the intron before coding-DNA position 221, A replaced by T.
Molecular consequence: intron variant.
Genome position (GRCh38, 1-based): chr5:112,767,178, A>T. VCF-style: chr5-112767178-A-T. GRCh37 (hg19) VCF-style: chr5-112102875-A-T.
Other names: c.221-11A>T (NM_001354895.2, NM_001127510.3, NM_001354896.2 and 2 more transcripts); c.251-11A>T (NM_001354897.2, NM_001354902.2, NM_001127511.3); c.146-11A>T (NM_001354898.2, NM_001354904.2); c.-815-11A>T (NM_001354906.2); c.44-11A>T (NM_001354900.2, NM_001354901.2, NM_001354905.2).
Identifiers: ClinVar variation 490239 (VCV000490239.13), dbSNP rs531060253, ClinGen allele CA124975587.